The following is an entry in ClinVar:

NM_002878.4(RAD51D):c.115G>A (p.Val39Ile)

Genes: RAD51D (RAD51 paralog D; minus strand), RAD51L3-RFFL (RAD51L3-RFFL readthrough; minus strand). Cytogenetic location: 17q12.
Variant type: single nucleotide variant.
Coding change: c.115G>A on transcript NM_002878.4 (MANE Select); coding-DNA position 115, G replaced by A.
Protein change: p.Val39Ile; replaces valine 39 with isoleucine.
Molecular consequence: missense variant. On other transcripts: non-coding transcript variant (2).
Genome position (GRCh38, 1-based): chr17:35,119,140, C>T on the plus strand (G>A on the coding strand, the complement: RAD51D is on the minus strand). VCF-style: chr17-35119140-C-T. GRCh37 (hg19) VCF-style: chr17-33446159-C-T.
Other names: c.115G>A, p.Val39Ile (NM_001142571.2, NM_133629.3); short protein forms V39I.
Identifiers: ClinVar variation 1023006 (VCV001023006.8), dbSNP rs2091788601, ClinGen allele CA399091888.

ClinVar aggregate classification (germline): Uncertain significance (1 of 4 stars; one submission).

Conditions:
Breast-ovarian cancer, familial, susceptibility to, 4. Identifiers: Orphanet 145, MedGen C3280345, MONDO:0013669, OMIM 614291.

Allele frequency attached by ClinVar (database versions not stated): gnomAD exomes below 0.00001.
gnomAD v4.1: 1 of 1,614,062 alleles (0.000062%); highest among the groups gnomAD compares: Non-Finnish European, 0.000085%; no homozygotes.

Submission:

Labcorp Genetics (formerly Invitae), Labcorp
Classification: Uncertain significance for Breast-ovarian cancer, familial, susceptibility to, 4. Last evaluated: 2020-03-18. Review status: criteria provided, single submitter. Criteria: Invitae Variant Classification Sherloc (09022015). Collection method: clinical testing. Allele origin: germline.
Comment: This variant has not been reported in the literature in individuals with RAD51D-related conditions. This sequence change replaces valine with isoleucine at codon 39 of the RAD51D protein (p.Val39Ile). The valine residue is weakly conserved and there is a small physicochemical difference between valine and isoleucine. This variant is not present in population databases (ExAC no frequency). Algorithms developed to predict the effect of missense changes on protein structure and function (SIFT, PolyPhen-2, Align-GVGD) all suggest that this variant is likely to be tolerated, but these predictions have not been confirmed by published functional studies and their clinical significance is uncertain. In summary, the available evidence is currently insufficient to determine the role of this variant in disease. Therefore, it has been classified as a Variant of Uncertain Significance.